The following is an entry in ClinVar:

ClinVar aggregate classification (germline): Uncertain significance (1 of 4 stars; one submission).

gnomAD v4.1: 2 of 1,316,210 alleles (0.00015%); highest among the groups gnomAD compares: Non-Finnish European, 0.00019%; no homozygotes.

Submission:

Women's Health and Genetics/Laboratory Corporation of America, LabCorp
Classification: Uncertain significance. Last evaluated: 2024-09-20. Review status: criteria provided, single submitter. Criteria: LabCorp Variant Classification Summary - May 2015. Collection method: clinical testing. Allele origin: germline.
Comment: Variant summary: ARID1A c.977G>T (p.Gly326Val) results in a non-conservative amino acid change in the encoded protein sequence. Three of five in-silico tools predict a damaging effect of the variant on protein function. The frequency data for this variant in gnomAD is considered unreliable, as metrics indicate poor data quality at this position. To our knowledge, no occurrence of c.977G>T in individuals affected with Mental Retardation, Autosomal Dominant 14 and no experimental evidence demonstrating its impact on protein function have been reported. No submitters have cited clinical-significance assessments for this variant to ClinVar. Based on the evidence outlined above, the variant was classified as uncertain significance.

NM_006015.6(ARID1A):c.977G>T (p.Gly326Val)

Genes: ARID1A (AT-rich interaction domain 1A; plus strand), LOC129929837 (ATAC-STARR-seq lymphoblastoid silent region 489; plus strand). Cytogenetic location: 1p36.11.
Variant type: single nucleotide variant.
Coding change: c.977G>T on transcript NM_006015.6 (MANE Select); coding-DNA position 977, G replaced by T.
Protein change: p.Gly326Val; replaces glycine 326 with valine.
Molecular consequence: missense variant.
Genome position (GRCh38, 1-based): chr1:26,697,380, G>T. VCF-style: chr1-26697380-G-T. GRCh37 (hg19) VCF-style: chr1-27023871-G-T.
Other names: c.977G>T, p.Gly326Val (NM_139135.4); short protein forms G326V.
Identifiers: ClinVar variation 3375348 (VCV003375348.1).